The following is an entry in ClinVar:

NM_182643.3(DLC1):c.1237T>A (p.Leu413Met)

Gene: DLC1 (DLC1 Rho GTPase activating protein; minus strand). Cytogenetic location: 8p22.
Variant type: single nucleotide variant.
Coding change: c.1237T>A on transcript NM_182643.3 (MANE Select); coding-DNA position 1237, T replaced by A.
Protein change: p.Leu413Met; replaces leucine 413 with methionine.
Molecular consequence: missense variant. On other transcripts: 5 prime UTR variant (1).
Genome position (GRCh38, 1-based): chr8:13,393,630, A>T on the plus strand (T>A on the coding strand, the complement: DLC1 is on the minus strand). VCF-style: chr8-13393630-A-T. GRCh37 (hg19) VCF-style: chr8-13251139-A-T.
Other names: c.1237T>A, p.Leu413Met (NM_001348081.2, NM_001413124.1, NM_001413125.1 and 1 more transcripts); c.-215T>A (NM_001348082.2); short protein forms L413M.
Identifiers: ClinVar variation 3595185 (VCV003595185.2).

ClinVar aggregate classification (germline): Uncertain significance. Review status: criteria provided, multiple submitters, no conflicts (2 of 4 stars). 2 submissions from 2 submitters: Uncertain significance (2). Last evaluated 2025-09-12.

Conditions:
Colorectal cancer. Also called: Malignant Colorectal Neoplasm; Colorectal cancer, somatic. Identifiers: MedGen C0346629, MONDO:0005575, OMIM 114500.

gnomAD v4.1: 93 of 1,614,006 alleles (0.0058%); highest among the groups gnomAD compares: East Asian, 0.016%; no homozygotes.

Submissions (2):

Labcorp Genetics (formerly Invitae), Labcorp
Classification: Uncertain significance. Last evaluated: 2025-09-12. Review status: criteria provided, single submitter. Criteria: Invitae Variant Classification Sherloc (09022015). Collection method: clinical testing. Allele origin: germline.
Comment: This sequence change replaces leucine, which is neutral and non-polar, with methionine, which is neutral and non-polar, at codon 413 of the DLC1 protein (p.Leu413Met). This variant is present in population databases (rs143447199, gnomAD 0.04%). This variant has not been reported in the literature in individuals affected with DLC1-related conditions. ClinVar contains an entry for this variant (Variation ID: 3595185). An algorithm developed to predict the effect of missense changes on protein structure and function (PolyPhen-2) suggests that this variant is likely to be disruptive. In summary, the available evidence is currently insufficient to determine the role of this variant in disease. Therefore, it has been classified as a Variant of Uncertain Significance.

Fulgent Genetics
Classification: Uncertain significance for Colorectal cancer. Last evaluated: 2024-02-26. Review status: criteria provided, single submitter. Criteria: ACMG Guidelines, 2015. Collection method: clinical testing. Allele origin: germline.